The following is an entry in ClinVar:

ClinVar aggregate classification (germline): Uncertain significance (1 of 4 stars; one submission).

Submission:

GeneDx
Classification: Uncertain significance. Last evaluated: 2023-12-23. Review status: criteria provided, single submitter. Criteria: GeneDx Variant Classification Process June 2021. Collection method: clinical testing. Allele origin: germline. Affected: yes.
Comment: Not observed at significant frequency in large population cohorts (gnomAD); Has not been previously published as pathogenic or benign to our knowledge; In silico analysis is inconclusive as to whether the variant alters gene splicing. In the absence of RNA/functional studies, the actual effect of this sequence change is unknown.

NM_004991.4(MECOM):c.510G>T (p.Gln170His)

Gene: MECOM (MDS1 and EVI1 complex locus; minus strand). Cytogenetic location: 3q26.2.
Variant type: single nucleotide variant.
Coding change: c.510G>T on transcript NM_004991.4 (MANE Select); coding-DNA position 510, G replaced by T.
Protein change: p.Gln170His; replaces glutamine 170 with histidine.
Molecular consequence: missense variant. On other transcripts: 5 prime UTR variant (12).
Genome position (GRCh38, 1-based): chr3:169,143,698, C>A on the plus strand (G>T on the coding strand, the complement: MECOM is on the minus strand). VCF-style: chr3-169143698-C-A. GRCh37 (hg19) VCF-style: chr3-168861486-C-A.
Other names: c.138G>T, p.Gln46His (NM_001105077.4); c.-55G>T (NM_001105078.4, NM_001163999.2, NM_001164000.2 and 9 more transcripts); c.510G>T, p.Gln170His (NM_001366466.2, NM_001366473.2); short protein forms Q170H, Q46H.
Identifiers: ClinVar variation 3365878 (VCV003365878.1).